The following is an entry in ClinVar:

NM_000245.4(MET):c.673G>A (p.Gly225Ser)

Gene: MET (MET proto-oncogene, receptor tyrosine kinase; plus strand). Cytogenetic location: 7q31.2.
Variant type: single nucleotide variant.
Coding change: c.673G>A on transcript NM_000245.4 (MANE Select); coding-DNA position 673, G replaced by A.
Protein change: p.Gly225Ser; replaces glycine 225 with serine.
Molecular consequence: missense variant. On other transcripts: intron variant (1).
Genome position (GRCh38, 1-based): chr7:116,699,757, G>A. VCF-style: chr7-116699757-G-A. GRCh37 (hg19) VCF-style: chr7-116339811-G-A.
Other names: c.673G>A, p.Gly225Ser (NM_001127500.3, NM_001324401.3); c.-91+27180G>A (NM_001324402.2); short protein forms G225S.
Identifiers: ClinVar variation 4825345 (VCV004825345.1).

ClinVar aggregate classification (germline): Uncertain significance (1 of 4 stars; one submission).

Conditions:
Hereditary cancer-predisposing syndrome. Also called: Neoplastic Syndromes, Hereditary; Tumor predisposition; Hereditary Cancer Syndrome; Hereditary neoplastic syndrome. Identifiers: Orphanet 140162, MedGen C0027672, MeSH D009386, MONDO:0015356.

Submission:

Ambry Genetics
Classification: Uncertain significance for Hereditary cancer-predisposing syndrome. Last evaluated: 2026-01-23. Review status: criteria provided, single submitter. Criteria: Ambry Variant Classification Scheme 2023. Collection method: clinical testing. Allele origin: germline.
Comment: The p.G225S variant (also known as c.673G>A), located in coding exon 1 of the MET gene, results from a G to A substitution at nucleotide position 673. The glycine at codon 225 is replaced by serine, an amino acid with similar properties. This amino acid position is conserved. In addition, the in silico prediction for this alteration is inconclusive. Based on the available evidence, the clinical significance of this variant remains unclear.